The following is an entry in ClinVar:

ClinVar aggregate classification (germline): Likely benign. Review status: criteria provided, single submitter (1 of 4 stars). 2 submissions from 2 submitters: Likely benign (1). 1 of the submissions does not count toward it. Last evaluated 2018-10-29.

Conditions:
EP400-related disorder. Also called: EP400-related condition.

Allele frequency attached by ClinVar (database versions not stated): gnomAD exomes 0.00074 and 0.00029; gnomAD 0.00267 and 0.00277; ESP Exome Variant Server 0.00308; ExAC 0.00087; TOPMed 0.00286; 1000 Genomes Project 0.00359; 1000 Genomes Project 30x 0.00375.
gnomAD v4.1: 842 of 1,614,078 alleles (0.052%); highest among the groups gnomAD compares: African/African-American, 0.98%; 5 homozygotes.

Submissions (3):

Labcorp Genetics (formerly Invitae), Labcorp
Classification: Likely benign. Last evaluated: 2018-10-29. Review status: criteria provided, single submitter. Criteria: Invitae Variant Classification Sherloc (09022015). Collection method: clinical testing. Allele origin: germline.

PreventionGenetics, part of Exact Sciences
Classification: Likely benign for EP400-related condition. Last evaluated: 2021-03-02. Review status: no assertion criteria provided. Collection method: clinical testing. Allele origin: germline. Not counted in ClinVar's aggregate classification.
Comment: This variant is classified as likely benign based on ACMG/AMP sequence variant interpretation guidelines (Richards et al. 2015 PMID: 25741868, with internal and published modifications).

Dr. Peter K. Rogan Lab, Western University
No classification provided (evidence only). Condition: Uterine corpus endometrial carcinoma. Review status: no classification provided. Collection method: in vitro. Allele origin: not applicable. Functional consequence: retained intron. Not counted in ClinVar's aggregate classification.

NM_015409.5(EP400):c.7961C>T (p.Ala2654Val)

Gene: EP400 (E1A binding protein p400; plus strand). Cytogenetic location: 12q24.33.
Variant type: single nucleotide variant.
Coding change: c.7961C>T on transcript NM_015409.5 (MANE Select); coding-DNA position 7961, C replaced by T.
Protein change: p.Ala2654Val; replaces alanine 2654 with valine.
Molecular consequence: missense variant.
Genome position (GRCh38, 1-based): chr12:132,062,186, C>T. VCF-style: chr12-132062186-C-T. GRCh37 (hg19) VCF-style: chr12-132546731-C-T.
Other names: NC_000012.11:g.132546731C>T; short protein forms A2654V.
Identifiers: ClinVar variation 711576 (VCV000711576.6), dbSNP rs139495129, ClinGen allele CA6886939.